The following is an entry in ClinVar:

ClinVar aggregate classification (germline): Pathogenic (1 of 4 stars; one submission).

Conditions:
Ataxia-telangiectasia syndrome (AT). Also called: Cerebello-oculocutaneous telangiectasia; Immunodeficiency with ataxia telangiectasia; Ataxia-telangiectasia, complementation group E; Ataxia-telangiectasia, complementation group D; AT, COMPLEMENTATION GROUP C; ATAXIA-TELANGIECTASIA, COMPLEMENTATION GROUP A. Identifiers: Orphanet 100, MedGen C0004135, MONDO:0008840, OMIM 208900.

Submission:

Labcorp Genetics (formerly Invitae), Labcorp
Classification: Pathogenic for Ataxia-telangiectasia syndrome. Last evaluated: 2019-02-27. Review status: criteria provided, single submitter. Criteria: Invitae Variant Classification Sherloc (09022015). Collection method: clinical testing. Allele origin: germline.
Comment: For these reasons, this variant has been classified as Pathogenic. Loss-of-function variants in ATM are known to be pathogenic (PMID: 23807571, 25614872). This variant has not been reported in the literature in individuals with ATM-related conditions. ClinVar contains an entry for this variant (Variation ID: 572446). This variant is not present in population databases (ExAC no frequency). This sequence change creates a premature translational stop signal (p.His2552Glnfs*13) in the ATM gene. It is expected to result in an absent or disrupted protein product.

Literature cited by the submitters: PubMed 23807571; PubMed 25614872.

NM_000051.4(ATM):c.7655_7656insGA (p.His2552fs)

Genes: C11orf65 (chromosome 11 open reading frame 65; minus strand), ATM (ATM serine/threonine kinase; plus strand). Cytogenetic location: 11q22.3.
Variant type: Insertion.
Coding change: c.7655_7656insGA on transcript NM_000051.4 (MANE Select); coding-DNA positions 7655 to 7656, GA inserted.
Protein change: p.His2552fs; shifts the reading frame from histidine 2552.
Molecular consequence: frameshift variant. On other transcripts: intron variant (2).
Genome position: GRCh38 VCF-style: chr11-108331903-C-CAG. GRCh37 (hg19) VCF-style: chr11-108202630-C-CAG.
Other names: c.7655_7656insGA, p.His2552fs (NM_001351834.2); c.641-22833_641-22832insTC (NM_001330368.2); c.*38+3316_*38+3317insTC (NM_001351110.2); short protein forms H2552fs.
Identifiers: ClinVar variation 572446 (VCV000572446.11), dbSNP rs1565533629, ClinGen allele CA891842776.